The following is an entry in ClinVar:

NM_001048174.2(MUTYH):c.1064_1072del (p.Leu355_Ala357del)

Gene: MUTYH (mutY DNA glycosylase; minus strand). Cytogenetic location: 1p34.1.
Variant type: Deletion.
Coding change: c.1064_1072del on transcript NM_001048174.2 (MANE Select); coding-DNA positions 1064 to 1072, 9 bases deleted (TTGGGGCCC; older notation c.1064_1072delTTGGGGCCC).
Protein change: p.Leu355_Ala357del.
Molecular consequence: inframe deletion. On other transcripts: non-coding transcript variant (2).
Genome position (GRCh38, 1-based): chr1:45,331,691-45,331,699, GGGCCCCAA deleted on the plus strand (TTGGGGCCC on the coding strand, the reverse complement: MUTYH is on the minus strand); deleting any 9 consecutive bases within chr1:45,331,691-45,331,707 gives the same sequence; the c. name uses the placement nearest the transcript's 3' end. VCF-style (leftmost placement, unchanged base first): chr1-45331690-TGGGCCCCAA-T. GRCh37 (hg19) VCF-style: chr1-45797362-TGGGCCCCAA-T.
Other names: c.1148_1156delTTGGGGCCC (NM_001128425.1); c.1064_1072del, p.Leu355_Ala357del (NM_001048171.2, NM_001048173.2, NM_001293195.2); c.1067_1075del, p.Leu356_Ala358del (NM_001048172.2); c.1148_1156del, p.Leu383_Ala385del (NM_001128425.2); c.1109_1117del, p.Leu370_Ala372del (NM_001293190.2); c.1097_1105del, p.Leu366_Ala368del (NM_001293191.2); c.788_796del, p.Leu263_Ala265del (NM_001293192.2, NM_001293196.2); c.719_727del, p.Leu240_Ala242del (NM_001350650.2, NM_001350651.2); and 1 more.
Identifiers: ClinVar variation 490029 (VCV000490029.6), dbSNP rs1553126354, ClinGen allele CA658683145.

ClinVar aggregate classification (germline): Uncertain significance. Review status: criteria provided, multiple submitters, no conflicts (2 of 4 stars). 2 submissions from 2 submitters: Uncertain significance (2). Last evaluated 2024-02-26.

Conditions:
Hereditary cancer-predisposing syndrome. Also called: Hereditary neoplastic syndrome; Hereditary Cancer Syndrome; Neoplastic Syndromes, Hereditary; Tumor predisposition. Identifiers: Orphanet 140162, MedGen C0027672, MeSH D009386, MONDO:0015356.
Familial adenomatous polyposis 2. Also called: MYH-associated polyposis; COLORECTAL ADENOMATOUS POLYPOSIS, AUTOSOMAL RECESSIVE; ADENOMAS, MULTIPLE COLORECTAL, AUTOSOMAL RECESSIVE; MUTYH-related attenuated familial adenomatous polyposis; Adenomas, multiple colorectal; FAP type 2. Identifiers: Orphanet 220460, Orphanet 247798, MedGen C3272841, MONDO:0012041, OMIM 608456.

Submissions (2):

Labcorp Genetics (formerly Invitae), Labcorp
Classification: Uncertain significance for Familial adenomatous polyposis 2. Last evaluated: 2024-02-26. Review status: criteria provided, single submitter. Criteria: Invitae Variant Classification Sherloc (09022015). Collection method: clinical testing. Allele origin: germline.
Comment: This variant, c.1148_1156del, results in the deletion of 3 amino acid(s) of the MUTYH protein (p.Leu383_Ala385del), but otherwise preserves the integrity of the reading frame. This variant is not present in population databases (gnomAD no frequency). This variant has not been reported in the literature in individuals affected with MUTYH-related conditions. ClinVar contains an entry for this variant (Variation ID: 490029). Experimental studies and prediction algorithms are not available or were not evaluated, and the functional significance of this variant is currently unknown. In summary, the available evidence is currently insufficient to determine the role of this variant in disease. Therefore, it has been classified as a Variant of Uncertain Significance.

Color Diagnostics, LLC DBA Color Health
Classification: Uncertain significance for Hereditary cancer-predisposing syndrome. Last evaluated: 2019-06-29. Review status: criteria provided, single submitter. Criteria: ACMG Guidelines, 2015. Collection method: clinical testing. Allele origin: germline.